The following is an entry in ClinVar:

ClinVar aggregate classification (germline): Uncertain significance. Review status: criteria provided, multiple submitters, no conflicts (2 of 4 stars). 2 submissions from 2 submitters: Uncertain significance (2). Last evaluated 2025-11-18.

Conditions:
Exostoses, multiple, type 2 (EXT2). Also called: EXOSTOSES, MULTIPLE, TYPE II; Hereditary Multiple Osteochondromatosis, Type II. Identifiers: Orphanet 321, MedGen C1851413, MONDO:0007586, OMIM 133701.

Allele frequency attached by ClinVar (database versions not stated): gnomAD 0.00001; gnomAD exomes 0.00001; TOPMed 0.00001.
gnomAD v4.1: 12 of 1,614,070 alleles (0.00074%); highest among the groups gnomAD compares: Admixed American, 0.0067%; no homozygotes.

Submissions (2):

Labcorp Genetics (formerly Invitae), Labcorp
Classification: Uncertain significance for Exostoses, multiple, type 2. Last evaluated: 2025-11-18. Review status: criteria provided, single submitter. Criteria: Invitae Variant Classification Sherloc (09022015). Collection method: clinical testing. Allele origin: germline.
Comment: This sequence change replaces isoleucine, which is neutral and non-polar, with valine, which is neutral and non-polar, at codon 126 of the EXT2 protein (p.Ile126Val). This variant is present in population databases (no rsID available, gnomAD 0.006%). This variant has not been reported in the literature in individuals affected with EXT2-related conditions. ClinVar contains an entry for this variant (Variation ID: 2675202). Invitae Evidence Modeling of protein sequence and biophysical properties (such as structural, functional, and spatial information, amino acid conservation, physicochemical variation, residue mobility, and thermodynamic stability) indicates that this missense variant is not expected to disrupt EXT2 protein function with a negative predictive value of 95%. In summary, the available evidence is currently insufficient to determine the role of this variant in disease. Therefore, it has been classified as a Variant of Uncertain Significance.

Baylor Genetics
Classification: Uncertain significance for Exostoses, multiple, type 2. Last evaluated: 2023-10-03. Review status: criteria provided, single submitter. Criteria: ACMG Guidelines, 2015. Collection method: clinical testing. Allele origin: unknown.

NM_207122.2(EXT2):c.376A>G (p.Ile126Val)

Gene: EXT2 (exostosin glycosyltransferase 2; plus strand). Cytogenetic location: 11p11.2.
Variant type: single nucleotide variant.
Coding change: c.376A>G on transcript NM_207122.2 (MANE Select); coding-DNA position 376, A replaced by G.
Protein change: p.Ile126Val; replaces isoleucine 126 with valine.
Molecular consequence: missense variant.
Genome position (GRCh38, 1-based): chr11:44,108,088, A>G. VCF-style: chr11-44108088-A-G. GRCh37 (hg19) VCF-style: chr11-44129638-A-G.
Other names: c.475A>G, p.Ile159Val (NM_000401.3); c.376A>G, p.Ile126Val (NM_001178083.3, NM_001389628.1, NM_001389630.1); short protein forms I126V, I159V.
Identifiers: ClinVar variation 2675202 (VCV002675202.4), dbSNP rs1355378570, ClinGen allele CA380180217.
Genomic context (GRCh38, chr11:44,108,088, plus strand): 5'-GTGTATATCTATGCTCTGAAAAAGTACGTGGATGACTTTGGCGTCTCTGTCAGCAACACC[A>G]TCTCCCGGGAGTATAATGAACTGCTCATGGCCATCTCAGACAGTGACTACTACACTGATG-3'
Protein context (NP_997005.1, residues 116-136): DDFGVSVSNT[Ile126Val]SREYNELLMA